The following is an entry in ClinVar:

NM_022436.3(ABCG5):c.1523C>T (p.Ala508Val)

Genes: ABCG5 (ATP binding cassette subfamily G member 5; minus strand), DYNC2LI1 (dynein cytoplasmic 2 light intermediate chain 1; plus strand). Cytogenetic location: 2p21.
Variant type: single nucleotide variant.
Coding change: c.1523C>T on transcript NM_022436.3 (MANE Select); coding-DNA position 1523, C replaced by T.
Protein change: p.Ala508Val; replaces alanine 508 with valine.
Molecular consequence: missense variant. On other transcripts: intron variant (2).
Genome position (GRCh38, 1-based): chr2:43,820,041, G>A on the plus strand (C>T on the coding strand, the complement: ABCG5 is on the minus strand). VCF-style: chr2-43820041-G-A. GRCh37 (hg19) VCF-style: chr2-44047180-G-A.
Other names: c.*16-7345G>A (NM_001348913.2, NM_001348912.2); short protein forms A508V.
Identifiers: ClinVar variation 3227759 (VCV003227759.2), dbSNP rs1436539228, ClinGen allele CA346663069.

ClinVar aggregate classification (germline): Uncertain significance. Review status: criteria provided, multiple submitters, no conflicts (2 of 4 stars). 2 submissions from 2 submitters: Uncertain significance (2). Last evaluated 2024-12-03.

Conditions:
Sitosterolemia 2. Identifiers: MedGen C5231453, MONDO:0020748, OMIM 618666.
Cardiovascular phenotype. Identifiers: MedGen CN230736.

Allele frequency attached by ClinVar (database versions not stated): gnomAD 0.00001; TOPMed 0.00002; gnomAD exomes 0.00001.
gnomAD v4.1: 10 of 1,614,042 alleles (0.00062%); highest among the groups gnomAD compares: Admixed American, 0.0033%; no homozygotes.

Submissions (2):

Revvity Omics, Revvity
Classification: Uncertain significance for Sitosterolemia 2. Last evaluated: 2024-12-03. Review status: criteria provided, single submitter. Criteria: ACMG Guidelines, 2015. Collection method: clinical testing. Allele origin: germline.

Ambry Genetics
Classification: Uncertain significance for Cardiovascular phenotype. Last evaluated: 2024-02-26. Review status: criteria provided, single submitter. Criteria: Ambry Variant Classification Scheme 2023. Collection method: clinical testing. Allele origin: germline.
Comment: The p.A508V variant (also known as c.1523C>T), located in coding exon 11 of the ABCG5 gene, results from a C to T substitution at nucleotide position 1523. The alanine at codon 508 is replaced by valine, an amino acid with similar properties. This amino acid position is conserved. In addition, this alteration is predicted to be tolerated by in silico analysis. Based on the available evidence, the clinical significance of this alteration remains unclear.